The following is an entry in ClinVar:

ClinVar aggregate classification (germline): Likely benign. Review status: criteria provided, multiple submitters, no conflicts (2 of 4 stars). 2 submissions from 2 submitters: Likely benign (2). Last evaluated 2026-06-19.

Conditions:
Charcot-Marie-Tooth disease axonal type 2Z. Also called: CHARCOT-MARIE-TOOTH DISEASE, AXONAL, AUTOSOMAL DOMINANT, TYPE 2Z; CHARCOT-MARIE-TOOTH NEUROPATHY, TYPE 2Z. Identifiers: Orphanet 466768, MedGen C5569025, MONDO:0014736, OMIM 616688.

Submissions (2):

Women's Health and Genetics/Laboratory Corporation of America, LabCorp
Classification: Likely benign. Last evaluated: 2026-06-19. Review status: criteria provided, single submitter. Criteria: LabCorp Variant Classification Summary - May 2015. Collection method: clinical testing. Allele origin: germline.
Comment: Variant summary: MORC2 c.123-14_123-10delTTTTC alters a nucleotide located at a position not widely known to affect splicing. Consensus agreement among computation tools predict no significant impact on normal splicing. However, these predictions have yet to be confirmed by functional studies. The variant was absent in 150812 control chromosomes. The available data on variant occurrences in the general population are insufficient to allow any conclusion about variant significance. To our knowledge, no occurrence of c.123-14_123-10delTTTTC in individuals affected with MORC2-related conditions and no experimental evidence demonstrating its impact on protein function have been reported. ClinVar contains an entry for this variant (Variation ID: 2145320). Based on the evidence outlined above, the variant was classified as likely benign.

Labcorp Genetics (formerly Invitae), Labcorp
Classification: Likely benign for Charcot-Marie-Tooth disease axonal type 2Z. Last evaluated: 2023-12-04. Review status: criteria provided, single submitter. Criteria: Invitae Variant Classification Sherloc (09022015). Collection method: clinical testing. Allele origin: germline.

NM_001303256.3(MORC2):c.123-14_123-10del

Gene: MORC2 (MORC family CW-type zinc finger 2; minus strand). Cytogenetic location: 22q12.2.
Variant type: Microsatellite.
Coding change: c.123-14_123-10del on transcript NM_001303256.3 (MANE Select); 14 bases into the intron before coding-DNA position 123 through 10 bases into the intron before coding-DNA position 123, 5 bases deleted (TTTTC; older notation c.123-14_123-10delTTTTC).
Molecular consequence: intron variant.
Genome position (GRCh38, 1-based): chr22:30,956,807-30,956,811, GAAAA deleted on the plus strand (TTTTC on the coding strand, the reverse complement: MORC2 is on the minus strand); deleting any 5 consecutive bases within chr22:30,956,807-30,956,819 gives the same sequence; the c. name uses the placement nearest the transcript's 3' end. VCF-style (leftmost placement, unchanged base first): chr22-30956806-TGAAAA-T. GRCh37 (hg19) VCF-style: chr22-31352792-TGAAAA-T.
Other names: c.123-14_123-10del (NM_001303257.2); c.-64-14_-64-10del (NM_014941.3); c.123-14_123-10delTTTTC (NM_001303256.3).
Identifiers: ClinVar variation 2145320 (VCV002145320.5), dbSNP rs2040973478, ClinGen allele CA1025026796.